The following is an entry in ClinVar:

NM_018557.3(LRP1B):c.6180C>T (p.Arg2060=)

Gene: LRP1B (LDL receptor related protein 1B; minus strand). Cytogenetic location: 2q22.1.
Variant type: single nucleotide variant.
Coding change: c.6180C>T on transcript NM_018557.3 (MANE Select); coding-DNA position 6180, C replaced by T.
Protein change: p.Arg2060=; no amino-acid change (arginine 2060 retained).
Molecular consequence: synonymous variant.
Genome position (GRCh38, 1-based): chr2:140,702,263, G>A on the plus strand (C>T on the coding strand, the complement: LRP1B is on the minus strand). VCF-style: chr2-140702263-G-A. GRCh37 (hg19) VCF-style: chr2-141459832-G-A.
Identifiers: ClinVar variation 731081 (VCV000731081.5), dbSNP rs116331774, ClinGen allele CA1894663.

ClinVar aggregate classification (germline): Benign. Review status: criteria provided, single submitter (1 of 4 stars). 2 submissions from 2 submitters: Benign (1). 1 of the submissions does not count toward it. Last evaluated 2018-07-15.

Conditions:
LRP1B-related disorder. Also called: LRP1B-related condition.

Allele frequency attached by ClinVar (database versions not stated): gnomAD exomes 0.00032 and 0.00089; ExAC 0.00119; 1000 Genomes Project 30x 0.00297; ESP Exome Variant Server 0.00315; 1000 Genomes Project 0.00339; gnomAD 0.00361 and 0.00393; TOPMed 0.00386.
gnomAD v4.1: 1,033 of 1,613,592 alleles (0.064%); highest among the groups gnomAD compares: African/African-American, 1.2%; 6 homozygotes.

Submissions (2):

Labcorp Genetics (formerly Invitae), Labcorp
Classification: Benign. Last evaluated: 2018-07-15. Review status: criteria provided, single submitter. Criteria: Invitae Variant Classification Sherloc (09022015). Collection method: clinical testing. Allele origin: germline.

PreventionGenetics, part of Exact Sciences
Classification: Benign for LRP1B-related condition. Last evaluated: 2019-03-21. Review status: no assertion criteria provided. Collection method: clinical testing. Allele origin: germline. Not counted in ClinVar's aggregate classification.
Comment: This variant is classified as benign based on ACMG/AMP sequence variant interpretation guidelines (Richards et al. 2015 PMID: 25741868, with internal and published modifications).